The following is an entry in ClinVar:

ClinVar aggregate classification (germline): Uncertain significance. Review status: criteria provided, multiple submitters, no conflicts (2 of 4 stars). 5 submissions from 5 submitters: Uncertain significance (4). 1 of the submissions does not count toward it. Last evaluated 2024-01-31.

Conditions:
Primary ciliary dyskinesia. Also called: Ciliary dyskinesia. Identifiers: Orphanet 244, MedGen C0008780, MONDO:0016575, HP:0012265.
Kartagener syndrome (CILD1). Also called: CILIARY DYSKINESIA, PRIMARY, 1; CILIARY DYSKINESIA, PRIMARY, 1, WITH OR WITHOUT SITUS INVERSUS; IMMOTILE CILIA SYNDROME; POLYNESIAN BRONCHIECTASIS; Dextrocardia bronchiectasis and sinusitis; SIEWERT SYNDROME. Identifiers: Orphanet 244, MedGen C4551906, MONDO:0009484, OMIM 244400.

Allele frequency attached by ClinVar (database versions not stated): ExAC 0.00002; TOPMed 0.00005; gnomAD 0.00006; gnomAD exomes 0.00006.
gnomAD v4.1: 102 of 1,613,872 alleles (0.0063%); highest among the groups gnomAD compares: Middle Eastern, 0.017%; no homozygotes.

Submissions (5):

Mayo Clinic Laboratories, Mayo Clinic
Classification: Uncertain significance. Last evaluated: 2024-01-31. Review status: criteria provided, single submitter. Criteria: ACMG Guidelines, 2015. Collection method: clinical testing. Allele origin: germline. Observed: 1 variant allele.

CeGaT Center for Human Genetics Tuebingen
Classification: Uncertain significance. Last evaluated: 2023-10-01. Review status: criteria provided, single submitter. Criteria: CeGaT Center For Human Genetics Tuebingen Variant Classification Criteria Version 2. Collection method: clinical testing. Allele origin: germline. Affected: yes. Observed: 1 variant allele.

Labcorp Genetics (formerly Invitae), Labcorp
Classification: Uncertain significance for Primary ciliary dyskinesia. Last evaluated: 2022-06-28. Review status: criteria provided, single submitter. Criteria: Invitae Variant Classification Sherloc (09022015). Collection method: clinical testing. Allele origin: germline.
Comment: This sequence change replaces arginine, which is basic and polar, with tryptophan, which is neutral and slightly polar, at codon 120 of the DNAI1 protein (p.Arg120Trp). This variant is present in population databases (rs766328772, gnomAD 0.07%). This variant has not been reported in the literature in individuals affected with DNAI1-related conditions. ClinVar contains an entry for this variant (Variation ID: 572996). Algorithms developed to predict the effect of missense changes on protein structure and function are either unavailable or do not agree on the potential impact of this missense change (SIFT: "Deleterious"; PolyPhen-2: "Possibly Damaging"; Align-GVGD: "Class C0"). In summary, the available evidence is currently insufficient to determine the role of this variant in disease. Therefore, it has been classified as a Variant of Uncertain Significance.

Illumina Laboratory Services, Illumina
Classification: Uncertain significance for Kartagener syndrome. Last evaluated: 2018-01-13. Review status: criteria provided, single submitter. Criteria: ICSL Variant Classification Criteria 13 December 2019. Collection method: clinical testing. Allele origin: germline.

Natera, Inc.
Classification: Uncertain significance for Primary ciliary dyskinesia. Last evaluated: 2019-10-28. Review status: no assertion criteria provided. Collection method: clinical testing. Allele origin: germline. Not counted in ClinVar's aggregate classification.

NM_012144.4(DNAI1):c.358C>T (p.Arg120Trp)

Gene: DNAI1 (dynein axonemal intermediate chain 1; plus strand). Cytogenetic location: 9p13.3.
Variant type: single nucleotide variant.
Coding change: c.358C>T on transcript NM_012144.4 (MANE Select); coding-DNA position 358, C replaced by T.
Protein change: p.Arg120Trp; replaces arginine 120 with tryptophan.
Molecular consequence: missense variant.
Genome position (GRCh38, 1-based): chr9:34,489,419, C>T. VCF-style: chr9-34489419-C-T. GRCh37 (hg19) VCF-style: chr9-34489417-C-T.
Other names: p.Arg120Trp; c.358C>T, p.Arg120Trp (NM_001281428.2); short protein forms R120W.
Identifiers: ClinVar variation 572996 (VCV000572996.33), dbSNP rs766328772, ClinGen allele CA5034021.